The following is an entry in ClinVar:

ClinVar aggregate classification (germline): Uncertain significance (1 of 4 stars; one submission).

Allele frequency attached by ClinVar (database versions not stated): TOPMed below 0.00001; gnomAD exomes 0.00001.
gnomAD v4.1: 3 of 1,614,076 alleles (0.00019%); highest among the groups gnomAD compares: South Asian, 0.0022%; 1 homozygote.

Submission:

Athena Diagnostics
Classification: Uncertain significance. Last evaluated: 2022-12-30. Review status: criteria provided, single submitter. Criteria: Athena Diagnostics Criteria. Collection method: clinical testing. Allele origin: unknown.
Comment: Available data are insufficient to determine the clinical significance of the variant at this time. This variant has not been reported in large, multi-ethnic general populations. Computational tools predict that this variant is not damaging.

NM_030962.4(SBF2):c.3841A>G (p.Thr1281Ala)

Gene: SBF2 (SET binding factor 2; minus strand). Cytogenetic location: 11p15.4.
Variant type: single nucleotide variant.
Coding change: c.3841A>G on transcript NM_030962.4 (MANE Select); coding-DNA position 3841, A replaced by G.
Protein change: p.Thr1281Ala; replaces threonine 1281 with alanine.
Molecular consequence: missense variant.
Genome position (GRCh38, 1-based): chr11:9,816,977, T>C on the plus strand (A>G on the coding strand, the complement: SBF2 is on the minus strand). VCF-style: chr11-9816977-T-C. GRCh37 (hg19) VCF-style: chr11-9838524-T-C.
Other names: c.3937A>G, p.Thr1313Ala (NM_001386339.1); c.3712A>G, p.Thr1238Ala (NM_001386342.1); c.3877A>G, p.Thr1293Ala (NM_001424318.1, NM_001425070.1); c.3736A>G, p.Thr1246Ala (NM_001425069.1); short protein forms T1238A, T1246A, T1281A, T1293A, T1313A.
Identifiers: ClinVar variation 2684340 (VCV002684340.1), dbSNP rs1320584263, ClinGen allele CA379644736.
Genomic context (GRCh38, chr11:9,816,977, plus strand): 5'-TACTGAAGGAGGCCGAGTGATCCTTGCCTGCCAGCCGGGCGCCAACATCAATGAAGGATG[T>C]TGGAGAGCTGATCAAGCGAGTGCTAGAGCGAAGACTTGCCCACACACCTTCACAAAAGCC-3'
Protein context (NP_112224.1, residues 1271-1291): RSSTRLISSP[Thr1281Ala]SFIDVGARLA